The following is an entry in ClinVar:

NM_001999.4(FBN2):c.4296C>A (p.Tyr1432Ter)

Gene: FBN2 (fibrillin 2; minus strand). Cytogenetic location: 5q23.3.
Variant type: single nucleotide variant.
Coding change: c.4296C>A on transcript NM_001999.4 (MANE Select); coding-DNA position 4296, C replaced by A.
Protein change: p.Tyr1432Ter; replaces tyrosine 1432 with a stop codon.
Molecular consequence: nonsense.
Genome position (GRCh38, 1-based): chr5:128,330,622, G>T on the plus strand (C>A on the coding strand, the complement: FBN2 is on the minus strand). VCF-style: chr5-128330622-G-T. GRCh37 (hg19) VCF-style: chr5-127666314-G-T.
Other names: short protein forms Y1432*.
Identifiers: ClinVar variation 1333458 (VCV001333458.3), dbSNP rs147046215, ClinGen allele CA360754001.

ClinVar aggregate classification (germline): Pathogenic (1 of 4 stars; one submission).

Conditions:
Congenital contractural arachnodactyly (CCA). Also called: Beals-Hecht syndrome; BEALS SYNDROME; Arthrogryposis, distal, type 9. Identifiers: Orphanet 115, MedGen C0220668, MONDO:0007363, OMIM 121050.

Submission:

3billion
Classification: Pathogenic for Congenital contractural arachnodactyly. Last evaluated: 2023-10-05. Review status: criteria provided, single submitter. Criteria: ACMG Guidelines, 2015. Collection method: clinical testing. Allele origin: germline. Affected: yes.
Comment: The variant is not observed in the gnomAD v2.1.1 dataset. Predicted Consequence/Location: Stop-gained (nonsense): predicted to result in a loss or disruption of normal protein function through nonsense-mediated decay (NMD) or protein truncation. Multiple pathogenic variants are reported downstream of the variant. The variant has been reported to be associated with FBN2 related disorder (PMID: 11754102). Therefore, this variant is classified as Pathogenic according to the recommendation of ACMG/AMP guideline.

Literature cited by the submitters: PubMed 11754102.